The following is an entry in ClinVar:

ClinVar aggregate classification (germline): Uncertain significance (1 of 4 stars; one submission).

Conditions:
Hereditary breast ovarian cancer syndrome. Also called: Hereditary breast and ovarian cancer syndrome (HBOC); Hereditary breast and ovarian cancer; Breast and ovarian cancer; BRCA1- and BRCA2-Associated Hereditary Breast and Ovarian Cancer; Hereditary breast and ovarian cancer syndrome; Hereditary breast and/or ovarian cancer syndrome. Identifiers: Orphanet 145, MedGen C0677776, MeSH D061325, MONDO:0003582. Disease mechanism: loss of function.

Submission:

Labcorp Genetics (formerly Invitae), Labcorp
Classification: Uncertain significance for Hereditary breast ovarian cancer syndrome. Last evaluated: 2019-05-10. Review status: criteria provided, single submitter. Criteria: Invitae Variant Classification Sherloc (09022015). Collection method: clinical testing. Allele origin: germline.
Comment: This sequence change replaces leucine with valine at codon 3027 of the BRCA2 protein (p.Leu3027Val). The leucine residue is highly conserved and there is a small physicochemical difference between leucine and valine. This variant is not present in population databases (ExAC no frequency). In summary, the available evidence is currently insufficient to determine the role of this variant in disease. Therefore, it has been classified as a Variant of Uncertain Significance. Algorithms developed to predict the effect of sequence changes on RNA splicing suggest that this variant may create or strengthen a splice site, but this prediction has not been confirmed by published transcriptional studies. Algorithms developed to predict the effect of missense changes on protein structure and function (SIFT, PolyPhen-2, Align-GVGD) all suggest that this variant is likely to be disruptive, but these predictions have not been confirmed by published functional studies and their clinical significance is uncertain. This variant has not been reported in the literature in individuals with BRCA2-related conditions.

NM_000059.4(BRCA2):c.9079T>G (p.Leu3027Val)

Gene: BRCA2 (BRCA2 DNA repair associated; plus strand). Cytogenetic location: 13q13.1.
Variant type: single nucleotide variant.
Coding change: c.9079T>G on transcript NM_000059.4 (MANE Select); coding-DNA position 9079, T replaced by G.
Protein change: p.Leu3027Val; replaces leucine 3027 with valine.
Molecular consequence: missense variant.
Genome position (GRCh38, 1-based): chr13:32,379,875, T>G. VCF-style: chr13-32379875-T-G. GRCh37 (hg19) VCF-style: chr13-32954012-T-G.
Other names: short protein forms L3027V.
Identifiers: ClinVar variation 945926 (VCV000945926.10), dbSNP rs2072910281, ClinGen allele CA387757603.
Genomic context (GRCh38, chr13:32,379,875, plus strand): 5'-AGAATTTATCATCTTGCAACTTCAAAATCTAAAAGTAAATCTGAAAGAGCTAACATACAG[T>G]TAGCAGCGACAAAAAAAACTCAGTATCAACAACTACCGGTACAAACCTTTCATTGTAATT-3'
Protein context (NP_000050.3, residues 3017-3037): KSKSERANIQ[Leu3027Val]AATKKTQYQQ